The following is an entry in ClinVar:

NM_000407.5(GP1BB):c.473T>G (p.Leu158Arg)

Genes: GP1BB (glycoprotein Ib platelet subunit beta; plus strand), SEPT5-GP1BB (SEPT5-GP1BB readthrough; plus strand). Cytogenetic location: 22q11.21.
Variant type: single nucleotide variant.
Coding change: c.473T>G on transcript NM_000407.5 (MANE Select); coding-DNA position 473, T replaced by G.
Protein change: p.Leu158Arg; replaces leucine 158 with arginine.
Molecular consequence: missense variant. On other transcripts: non-coding transcript variant (2).
Genome position (GRCh38, 1-based): chr22:19,724,316, T>G. VCF-style: chr22-19724316-T-G. GRCh37 (hg19) VCF-style: chr22-19711839-T-G.
Other names: short protein forms L158R.
Identifiers: ClinVar variation 1678696 (VCV001678696.4), dbSNP rs2145796512, ClinGen allele CA410677585.
Genomic context (GRCh38, chr22:19,724,316, plus strand): 5'-GCGCCGCTTGCGCTCCCGGCCCGCTCTGCTGGGGGGCGCTGGCGGCGCAGCTTGCGCTGC[T>G]GGGCCTTGGGCTGCTGCACGCGTTGCTGCTGGTGCTGCTGCTGTGCCGCCTGCGGAGGCT-3'
Protein context (NP_000398.1, residues 148-168): WGALAAQLAL[Leu158Arg]GLGLLHALLL

ClinVar aggregate classification (germline): Likely pathogenic (1 of 4 stars; one submission).

Submission:

GeneDx
Classification: Likely pathogenic. Last evaluated: 2024-02-08. Review status: criteria provided, single submitter. Criteria: GeneDx Variant Classification Process June 2021. Collection method: clinical testing. Allele origin: germline. Affected: yes.
Comment: In silico analysis supports that this missense variant has a deleterious effect on protein structure/function; Not observed at significant frequency in large population cohorts (gnomAD); Has not been previously published as pathogenic or benign to our knowledge